The following is an entry in ClinVar:

NM_152383.5(DIS3L2):c.1087A>T (p.Ile363Phe)

Gene: DIS3L2 (DIS3 like 3'-5' exoribonuclease 2; plus strand). Cytogenetic location: 2q37.1.
Variant type: single nucleotide variant.
Coding change: c.1087A>T on transcript NM_152383.5 (MANE Select); coding-DNA position 1087, A replaced by T.
Protein change: p.Ile363Phe; replaces isoleucine 363 with phenylalanine.
Molecular consequence: missense variant. On other transcripts: non-coding transcript variant (2).
Genome position (GRCh38, 1-based): chr2:232,163,595, A>T. VCF-style: chr2-232163595-A-T. GRCh37 (hg19) VCF-style: chr2-233028305-A-T.
Other names: c.1087A>T, p.Ile363Phe (NM_001257281.2); short protein forms I363F.
Identifiers: ClinVar variation 945549 (VCV000945549.8), dbSNP rs540563766, ClinGen allele CA2164001.

ClinVar aggregate classification (germline): Uncertain significance (1 of 4 stars; one submission).

Conditions:
Perlman syndrome (PRLMNS). Identifiers: Orphanet 2849, MedGen C0796113, MONDO:0009965, OMIM 267000.

Allele frequency attached by ClinVar (database versions not stated): gnomAD 0.00005; TOPMed 0.00006; 1000 Genomes Project 30x 0.00016; 1000 Genomes Project 0.00020.
gnomAD v4.1: 15 of 1,614,000 alleles (0.00093%); highest among the groups gnomAD compares: African/African-American, 0.019%; no homozygotes.

Submission:

Labcorp Genetics (formerly Invitae), Labcorp
Classification: Uncertain significance for Perlman syndrome. Last evaluated: 2024-01-06. Review status: criteria provided, single submitter. Criteria: Invitae Variant Classification Sherloc (09022015). Collection method: clinical testing. Allele origin: germline.
Comment: This sequence change replaces isoleucine, which is neutral and non-polar, with phenylalanine, which is neutral and non-polar, at codon 363 of the DIS3L2 protein (p.Ile363Phe). This variant is present in population databases (rs540563766, gnomAD 0.02%). This variant has not been reported in the literature in individuals affected with DIS3L2-related conditions. ClinVar contains an entry for this variant (Variation ID: 945549). Advanced modeling of protein sequence and biophysical properties (such as structural, functional, and spatial information, amino acid conservation, physicochemical variation, residue mobility, and thermodynamic stability) performed at Invitae indicates that this missense variant is expected to disrupt DIS3L2 protein function with a positive predictive value of 80%. In summary, the available evidence is currently insufficient to determine the role of this variant in disease. Therefore, it has been classified as a Variant of Uncertain Significance.